The following is an entry in ClinVar:

ClinVar aggregate classification (germline): Likely pathogenic (1 of 4 stars; one submission).

Conditions:
Cyclical neutropenia. Also called: Cyclic Neutropenia; Cyclic hematopoiesis. Identifiers: Orphanet 2686, MedGen C0221023, MONDO:0008090, OMIM 162800, HP:0040289. Disease mechanism: loss of function.
Neutropenia, severe congenital, 1, autosomal dominant. Identifiers: MedGen C1859966, MONDO:0042490, OMIM 202700.

Submission:

Labcorp Genetics (formerly Invitae), Labcorp
Classification: Likely pathogenic for Neutropenia, severe congenital, 1, autosomal dominant; Cyclical neutropenia. Last evaluated: 2022-09-07. Review status: criteria provided, single submitter. Criteria: Invitae Variant Classification Sherloc (09022015). Collection method: clinical testing. Allele origin: germline.
Comment: This sequence change replaces leucine, which is neutral and non-polar, with arginine, which is basic and polar, at codon 121 of the ELANE protein (p.Leu121Arg). This variant is not present in population databases (gnomAD no frequency). This missense change has been observed in individual(s) with neutropenia (Invitae). In at least one individual the variant was observed to be de novo. Algorithms developed to predict the effect of missense changes on protein structure and function are either unavailable or do not agree on the potential impact of this missense change (SIFT: "Deleterious"; PolyPhen-2: "Possibly Damaging"; Align-GVGD: "Class C0"). This variant disrupts the p.Leu121 amino acid residue in ELANE. Other variant(s) that disrupt this residue have been observed in individuals with ELANE-related conditions (PMID: 18703682; Invitae), which suggests that this may be a clinically significant amino acid residue. In summary, the currently available evidence indicates that the variant is pathogenic, but additional data are needed to prove that conclusively. Therefore, this variant has been classified as Likely Pathogenic.

Literature cited by the submitters: PubMed 18703682.

NM_001972.4(ELANE):c.362T>G (p.Leu121Arg)

Gene: ELANE (elastase, neutrophil expressed; plus strand). Cytogenetic location: 19p13.3.
Variant type: single nucleotide variant.
Coding change: c.362T>G on transcript NM_001972.4 (MANE Select); coding-DNA position 362, T replaced by G.
Protein change: p.Leu121Arg; replaces leucine 121 with arginine.
Molecular consequence: missense variant.
Genome position (GRCh38, 1-based): chr19:853,399, T>G. VCF-style: chr19-853399-T-G. GRCh37 (hg19) VCF-style: chr19-853399-T-G.
Other names: short protein forms L121R.
Identifiers: ClinVar variation 2004229 (VCV002004229.4), dbSNP rs2512165572, ClinGen allele CA402916427.